The following is an entry in ClinVar:

ClinVar aggregate classification (germline): Uncertain significance (1 of 4 stars; one submission).

Conditions:
Long QT syndrome (LQTS). Identifiers: MedGen C0023976, MeSH D008133, MONDO:0002442. Disease mechanism: loss of function. Inheritance: Various modes of inheritance.

Submission:

Labcorp Genetics (formerly Invitae), Labcorp
Classification: Uncertain significance for Long QT syndrome. Last evaluated: 2023-08-08. Review status: criteria provided, single submitter. Criteria: Invitae Variant Classification Sherloc (09022015). Collection method: clinical testing. Allele origin: germline.
Comment: This variant has not been reported in the literature in individuals affected with CACNA1C-related conditions. This sequence change replaces cysteine, which is neutral and slightly polar, with serine, which is neutral and polar, at codon 517 of the CACNA1C protein (p.Cys517Ser). This variant is not present in population databases (gnomAD no frequency). Advanced modeling of protein sequence and biophysical properties (such as structural, functional, and spatial information, amino acid conservation, physicochemical variation, residue mobility, and thermodynamic stability) performed at Invitae indicates that this missense variant is expected to disrupt CACNA1C protein function. In summary, the available evidence is currently insufficient to determine the role of this variant in disease. Therefore, it has been classified as a Variant of Uncertain Significance.

NM_000719.7(CACNA1C):c.1549T>A (p.Cys517Ser)

Gene: CACNA1C (calcium voltage-gated channel subunit alpha1 C; plus strand). Cytogenetic location: 12p13.33.
Variant type: single nucleotide variant.
Coding change: c.1549T>A on transcript NM_000719.7 (MANE Select); coding-DNA position 1549, T replaced by A.
Protein change: p.Cys517Ser; replaces cysteine 517 with serine.
Molecular consequence: missense variant.
Genome position (GRCh38, 1-based): chr12:2,566,462, T>A. VCF-style: chr12-2566462-T-A. GRCh37 (hg19) VCF-style: chr12-2675628-T-A.
Other names: c.1549T>A, p.Cys517Ser (NM_001129827.2, NM_001129829.2, NM_001129830.3 and 18 more transcripts); c.1540T>A, p.Cys514Ser (NM_001129844.2); short protein forms C514S, C517S.
Identifiers: ClinVar variation 2751215 (VCV002751215.3), dbSNP rs2512760610, ClinGen allele CA383368471.
Genomic context (GRCh38, chr12:2,566,462, plus strand): 5'-TCTCCCTGTCCCCTTTCCAGCCGCTACTGGCGCCGGTGGAATCGGTTCTGCAGAAGGAAG[T>A]GCCGCGCCGCAGTCAAGTCTAATGTCTTCTACTGGCTGGTGATTTTCCTGGTGTTCCTCA-3'
Protein context (NP_000710.5, residues 507-527): RRWNRFCRRK[Cys517Ser]RAAVKSNVFY